The following is an entry in ClinVar:

NM_000104.4(CYP1B1):c.1048C>G (p.Pro350Ala)

Gene: CYP1B1 (cytochrome P450 family 1 subfamily B member 1; minus strand). Cytogenetic location: 2p22.2.
Variant type: single nucleotide variant.
Coding change: c.1048C>G on transcript NM_000104.4 (MANE Select); coding-DNA position 1048, C replaced by G.
Protein change: p.Pro350Ala; replaces proline 350 with alanine.
Molecular consequence: missense variant.
Genome position (GRCh38, 1-based): chr2:38,071,306, G>C on the plus strand (C>G on the coding strand, the complement: CYP1B1 is on the minus strand). VCF-style: chr2-38071306-G-C. GRCh37 (hg19) VCF-style: chr2-38298449-G-C.
Other names: short protein forms P350A.
Identifiers: ClinVar variation 3371316 (VCV003371316.2).

ClinVar aggregate classification (germline): Uncertain significance (1 of 4 stars; one submission).

Submission:

GeneDx
Classification: Uncertain significance. Last evaluated: 2024-11-11. Review status: criteria provided, single submitter. Criteria: GeneDx Variant Classification Process June 2021. Collection method: clinical testing. Allele origin: germline. Affected: yes.
Comment: Not observed at significant frequency in large population cohorts (gnomAD); In silico analysis supports that this missense variant has a deleterious effect on protein structure/function; Has not been previously published as pathogenic or benign to our knowledge